The following is an entry in ClinVar:

NM_002471.4(MYH6):c.2332A>T (p.Met778Leu)

Gene: MYH6 (myosin heavy chain 6; minus strand). Cytogenetic location: 14q11.2.
Variant type: single nucleotide variant.
Coding change: c.2332A>T on transcript NM_002471.4 (MANE Select); coding-DNA position 2332, A replaced by T.
Protein change: p.Met778Leu; replaces methionine 778 with leucine.
Molecular consequence: missense variant.
Genome position (GRCh38, 1-based): chr14:23,396,381, T>A on the plus strand (A>T on the coding strand, the complement: MYH6 is on the minus strand). VCF-style: chr14-23396381-T-A. GRCh37 (hg19) VCF-style: chr14-23865590-T-A.
Other names: short protein forms M778L.
Identifiers: ClinVar variation 2080445 (VCV002080445.4), dbSNP rs774884059, ClinGen allele CA7115498.
Genomic context (GRCh38, chr14:23,396,381, plus strand): 5'-GCTGGCCCCGGGCTTGGGCCTGCATGCGCGTGATGATGCGGCTCAGCCTCTCATCCCGCA[T>A]CTCCTCCAGCAGCCCAAGCAGCCCTGCCTTGAAGAACACCTGCAGGCAAGGGGTAGATGC-3'
Protein context (NP_002462.2, residues 768-788): KAGLLGLLEE[Met778Leu]RDERLSRIIT

ClinVar aggregate classification (germline): Uncertain significance (1 of 4 stars; one submission).

Conditions:
Hypertrophic cardiomyopathy 14. Identifiers: MedGen C2750467, MONDO:0013197, OMIM 613251.

Allele frequency attached by ClinVar (database versions not stated): gnomAD exomes 0.00001; ExAC 0.00002.
gnomAD v4.1: 16 of 1,614,044 alleles (0.00099%); highest among the groups gnomAD compares: Non-Finnish European, 0.0014%; no homozygotes.

Submission:

Labcorp Genetics (formerly Invitae), Labcorp
Classification: Uncertain significance for Hypertrophic cardiomyopathy 14. Last evaluated: 2022-10-18. Review status: criteria provided, single submitter. Criteria: Invitae Variant Classification Sherloc (09022015). Collection method: clinical testing. Allele origin: germline.
Comment: This variant has not been reported in the literature in individuals affected with MYH6-related conditions. Advanced modeling of protein sequence and biophysical properties (such as structural, functional, and spatial information, amino acid conservation, physicochemical variation, residue mobility, and thermodynamic stability) performed at Invitae indicates that this missense variant is expected to disrupt MYH6 protein function. In summary, the available evidence is currently insufficient to determine the role of this variant in disease. Therefore, it has been classified as a Variant of Uncertain Significance. This variant is present in population databases (rs774884059, gnomAD 0.002%). This sequence change replaces methionine, which is neutral and non-polar, with leucine, which is neutral and non-polar, at codon 778 of the MYH6 protein (p.Met778Leu).